The following is an entry in ClinVar:

NM_025144.4(ALPK1):c.136G>T (p.Glu46Ter)

Gene: ALPK1 (alpha kinase 1; plus strand). Cytogenetic location: 4q25.
Variant type: single nucleotide variant.
Coding change: c.136G>T on transcript NM_025144.4 (MANE Select); coding-DNA position 136, G replaced by T.
Protein change: p.Glu46Ter; replaces glutamic acid 46 with a stop codon.
Molecular consequence: nonsense. On other transcripts: intron variant (1).
Genome position (GRCh38, 1-based): chr4:112,382,412, G>T. VCF-style: chr4-112382412-G-T. GRCh37 (hg19) VCF-style: chr4-113303568-G-T.
Other names: c.136G>T, p.Glu46Ter (NM_001102406.2); c.42+4514G>T (NM_001253884.2); short protein forms E46*.
Identifiers: ClinVar variation 3020125 (VCV003020125.4), dbSNP rs776572834, ClinGen allele CA3046270.
Genomic context (GRCh38, chr4:112,382,412, plus strand): 5'-CTTTTCTTTGACTGCAATTTCCTTACCTGAACTCTGACCTTTTCAGCTTTACTCCCCAGC[G>T]AGTTAAGGACCCTGATCCAGGAGGCAAAGGAAATGAAGTGGCCCTTCGTGCCTGAAAAGT-3'

ClinVar aggregate classification (germline): Uncertain significance (1 of 4 stars; one submission).

gnomAD v4.1: 43 of 1,610,790 alleles (0.0027%); highest among the groups gnomAD compares: Non-Finnish European, 0.0034%; no homozygotes.

Submissions (2):

Labcorp Genetics (formerly Invitae), Labcorp
Classification: Uncertain significance. Last evaluated: 2024-11-03. Review status: criteria provided, single submitter. Criteria: Invitae Variant Classification Sherloc (09022015). Collection method: clinical testing. Allele origin: germline.
Comment: This sequence change creates a premature translational stop signal (p.Glu46*) in the ALPK1 gene. It is expected to result in an absent or disrupted protein product. However, the current clinical and genetic evidence is not sufficient to establish whether loss-of-function variants in ALPK1 cause disease. This variant is present in population databases (rs776572834, gnomAD 0.003%). This variant has not been reported in the literature in individuals affected with ALPK1-related conditions. ClinVar contains an entry for this variant (Variation ID: 3020125). In summary, the available evidence is currently insufficient to determine the role of this variant in disease. Therefore, it has been classified as a Variant of Uncertain Significance.

Dr. Peter K. Rogan Lab, Western University
No classification provided (evidence only). Condition: Uterine carcinosarcoma. Review status: no classification provided. Collection method: in vitro. Allele origin: not applicable. Functional consequence: retained intron. Not counted in ClinVar's aggregate classification.